The following is an entry in ClinVar:

ClinVar aggregate classification (germline): Uncertain significance (1 of 4 stars; one submission).

Submission:

Labcorp Genetics (formerly Invitae), Labcorp
Classification: Uncertain significance. Last evaluated: 2024-09-03. Review status: criteria provided, single submitter. Criteria: Invitae Variant Classification Sherloc (09022015). Collection method: clinical testing. Allele origin: germline.
Comment: This sequence change falls in intron 20 of the HDAC4 gene. It does not directly change the encoded amino acid sequence of the HDAC4 protein. Information on the frequency of this variant in the gnomAD database is not available, as this variant may be reported differently in the database. This variant has not been reported in the literature in individuals affected with HDAC4-related conditions. ClinVar contains an entry for this variant (Variation ID: 2190245). Experimental studies and prediction algorithms are not available or were not evaluated, and the effect of this variant on mRNA splicing is currently unknown. In summary, the available evidence is currently insufficient to determine the role of this variant in disease. Therefore, it has been classified as a Variant of Uncertain Significance.

NM_001378414.1(HDAC4):c.2532+17_2532+18inv

Gene: HDAC4 (histone deacetylase 4; minus strand). Cytogenetic location: 2q37.3.
Variant type: Inversion.
Coding change: c.2532+17_2532+18inv on transcript NM_001378414.1 (MANE Select).
Molecular consequence: intron variant.
Genome position: GRCh38 VCF-style: chr2-239084137-CA-TG. GRCh37 (hg19) VCF-style: chr2-240005833-CA-TG.
Other names: c.2517+17_2517+18inv (NM_001378417.1, NM_001378416.1, NM_006037.4); c.2532+17_2532+18inv (NM_001378415.1).
Identifiers: ClinVar variation 2190245 (VCV002190245.4), ClinGen allele CA2580067943.
Genomic context (GRCh38, chr2:239,084,137, plus strand): 5'-TCTGTCCACACGCTGCTGTCCGCTCGGGGACGGCAAAGGAGCAACCTGAGCTGCGCTGGC[CA>TG]AGGCGGCTCTGCTTACCCAGTCCACGATGAGGATCTTGCTCACGCTCAACCTCTGCTGCA-3'